The following is an entry in ClinVar:

NM_002335.4(LRP5):c.999C>T (p.Gly333=)

Gene: LRP5 (LDL receptor related protein 5; plus strand). Cytogenetic location: 11q13.2.
Variant type: single nucleotide variant.
Coding change: c.999C>T on transcript NM_002335.4 (MANE Select); coding-DNA position 999, C replaced by T.
Protein change: p.Gly333=; no amino-acid change (glycine 333 retained).
Molecular consequence: synonymous variant. On other transcripts: 5 prime UTR variant (1).
Genome position (GRCh38, 1-based): chr11:68,365,686, C>T. VCF-style: chr11-68365686-C-T. GRCh37 (hg19) VCF-style: chr11-68133154-C-T.
Other names: c.-767C>T (NM_001291902.2).
Identifiers: ClinVar variation 2755595 (VCV002755595.3), dbSNP rs758236607, ClinGen allele CA6149181.

ClinVar aggregate classification (germline): Uncertain significance (1 of 4 stars; one submission).

Allele frequency attached by ClinVar (database versions not stated): gnomAD exomes below 0.00001; ExAC 0.00001.
gnomAD v4.1: 1 of 1,348,038 alleles (0.000074%); highest among the groups gnomAD compares: Admixed American, 0.0021%; no homozygotes.

Submission:

Labcorp Genetics (formerly Invitae), Labcorp
Classification: Uncertain significance. Last evaluated: 2023-08-27. Review status: criteria provided, single submitter. Criteria: Invitae Variant Classification Sherloc (09022015). Collection method: clinical testing. Allele origin: germline.
Comment: This sequence change affects codon 333 of the LRP5 mRNA. It is a 'silent' change, meaning that it does not change the encoded amino acid sequence of the LRP5 protein. This variant is present in population databases (rs758236607, gnomAD 0.003%). This variant has not been reported in the literature in individuals affected with LRP5-related conditions. Algorithms developed to predict the effect of sequence changes on RNA splicing suggest that this variant may create or strengthen a splice site. In summary, the available evidence is currently insufficient to determine the role of this variant in disease. Therefore, it has been classified as a Variant of Uncertain Significance.